The following is an entry in ClinVar:

NM_001845.6(COL4A1):c.1222G>A (p.Gly408Arg)

Gene: COL4A1 (collagen type IV alpha 1 chain; minus strand). Cytogenetic location: 13q34.
Variant type: single nucleotide variant.
Coding change: c.1222G>A on transcript NM_001845.6 (MANE Select); coding-DNA position 1222, G replaced by A.
Protein change: p.Gly408Arg; replaces glycine 408 with arginine.
Molecular consequence: missense variant.
Genome position (GRCh38, 1-based): chr13:110,198,530, C>T on the plus strand (G>A on the coding strand, the complement: COL4A1 is on the minus strand). VCF-style: chr13-110198530-C-T. GRCh37 (hg19) VCF-style: chr13-110850877-C-T.
Other names: c.1222G>A, p.Gly408Arg (NM_001303110.2); short protein forms G408R.
Identifiers: ClinVar variation 4746054 (VCV004746054.1).
Genomic context (GRCh38, chr13:110,198,530, plus strand): 5'-TGTAGCCAGGCTGCCCAGGGGGCCCAGGGGAACCAGGAGGACCCGGGAGCCCATCTCTTC[C>T]ACTTGGTCCTGGCAGAGATGTACCAGGAAATCCTCGGTCACCTTTTTCTCCTCTTTCACC-3'
Protein context (NP_001836.3, residues 398-418): FPGTSLPGPS[Gly408Arg]RDGLPGPPGS

ClinVar aggregate classification (germline): Likely pathogenic (1 of 4 stars; one submission).

Submission:

Labcorp Genetics (formerly Invitae), Labcorp
Classification: Likely pathogenic. Last evaluated: 2025-08-24. Review status: criteria provided, single submitter. Criteria: Invitae Variant Classification Sherloc (09022015). Collection method: clinical testing. Allele origin: germline.
Comment: This sequence change replaces glycine, which is neutral and non-polar, with arginine, which is basic and polar, at codon 408 of the COL4A1 protein (p.Gly408Arg). This variant is not present in population databases (gnomAD no frequency). This variant has not been reported in the literature in individuals affected with COL4A1-related conditions. Invitae Evidence Modeling of protein sequence and biophysical properties (such as structural, functional, and spatial information, amino acid conservation, physicochemical variation, residue mobility, and thermodynamic stability) indicates that this missense variant is expected to disrupt COL4A1 protein function with a positive predictive value of 95%. This variant disrupts the triple helix domain of COL4A1. Glycine residues within the Gly-Xaa-Yaa repeats of the triple helix domain are required for the structure and stability of fibrillar collagens (PMID: 7695699, 8218237, 19344236). In COL4A1 variants affecting these glycine residues are significantly enriched in individuals with disease (PMID: 9016532, 17078022) compared to the general population (ExAC). In summary, the currently available evidence indicates that the variant is pathogenic, but additional data are needed to prove that conclusively. Therefore, this variant has been classified as Likely Pathogenic.

Literature cited by the submitters: PubMed 7695699; PubMed 8218237; PubMed 19344236; PubMed 9016532; PubMed 17078022.